The following is an entry in ClinVar:

NM_012448.4(STAT5B):c.1845C>G (p.Phe615Leu)

Gene: STAT5B (signal transducer and activator of transcription 5B; minus strand). Cytogenetic location: 17q21.2.
Variant type: single nucleotide variant.
Coding change: c.1845C>G on transcript NM_012448.4 (MANE Select); coding-DNA position 1845, C replaced by G.
Protein change: p.Phe615Leu; replaces phenylalanine 615 with leucine.
Molecular consequence: missense variant.
Genome position (GRCh38, 1-based): chr17:42,210,232, G>C on the plus strand (C>G on the coding strand, the complement: STAT5B is on the minus strand). VCF-style: chr17-42210232-G-C. GRCh37 (hg19) VCF-style: chr17-40362250-G-C.
Other names: short protein forms F615L.
Identifiers: ClinVar variation 952309 (VCV000952309.10), dbSNP rs2080117529, ClinGen allele CA399576817.

ClinVar aggregate classification (germline): Uncertain significance (1 of 4 stars; one submission).

Conditions:
Growth hormone insensitivity with immune dysregulation 1, autosomal recessive. Also called: GROWTH HORMONE INSENSITIVITY DUE TO POSTRECEPTOR DEFECT; LARON SYNDROME DUE TO POSTRECEPTOR DEFECT; Laron syndrome with immunodeficiency; GROWTH HORMONE INSENSITIVITY SYNDROME WITH IMMUNE DYSREGULATION 1, AUTOSOMAL RECESSIVE. Identifiers: Orphanet 220465, MedGen C5435698, MONDO:0100211, OMIM 245590.

Submission:

Labcorp Genetics (formerly Invitae), Labcorp
Classification: Uncertain significance for Growth hormone insensitivity with immune dysregulation 1, autosomal recessive. Last evaluated: 2019-08-18. Review status: criteria provided, single submitter. Criteria: Invitae Variant Classification Sherloc (09022015). Collection method: clinical testing. Allele origin: germline.
Comment: In summary, the available evidence is currently insufficient to determine the role of this variant in disease. Therefore, it has been classified as a Variant of Uncertain Significance. Algorithms developed to predict the effect of missense changes on protein structure and function are either unavailable or do not agree on the potential impact of this missense change (SIFT: "Deleterious"; PolyPhen-2: "Benign"; Align-GVGD: "Class C15"). This variant has not been reported in the literature in individuals with STAT5B-related conditions. This variant is not present in population databases (ExAC no frequency). This sequence change replaces phenylalanine with leucine at codon 615 of the STAT5B protein (p.Phe615Leu). The phenylalanine residue is highly conserved and there is a small physicochemical difference between phenylalanine and leucine.